The following is an entry in ClinVar:

ClinVar aggregate classification (germline): Uncertain significance (1 of 4 stars; one submission).

Conditions:
Kabuki syndrome. Also called: NIIKAWA-KUROKI SYNDROME; Kabuki make-up syndrome. Identifiers: Orphanet 2322, MedGen C0796004, MONDO:0016512.

Submission:

Labcorp Genetics (formerly Invitae), Labcorp
Classification: Uncertain significance for Kabuki syndrome. Last evaluated: 2024-08-27. Review status: criteria provided, single submitter. Criteria: Invitae Variant Classification Sherloc (09022015). Collection method: clinical testing. Allele origin: germline.
Comment: This sequence change replaces proline, which is neutral and non-polar, with alanine, which is neutral and non-polar, at codon 2667 of the KMT2D protein (p.Pro2667Ala). This variant is not present in population databases (gnomAD no frequency). This variant has not been reported in the literature in individuals affected with KMT2D-related conditions. Invitae Evidence Modeling of protein sequence and biophysical properties (such as structural, functional, and spatial information, amino acid conservation, physicochemical variation, residue mobility, and thermodynamic stability) indicates that this missense variant is not expected to disrupt KMT2D protein function with a negative predictive value of 95%. In summary, the available evidence is currently insufficient to determine the role of this variant in disease. Therefore, it has been classified as a Variant of Uncertain Significance.

NM_003482.4(KMT2D):c.7999C>G (p.Pro2667Ala)

Gene: KMT2D (lysine methyltransferase 2D; minus strand). Cytogenetic location: 12q13.12.
Variant type: single nucleotide variant.
Coding change: c.7999C>G on transcript NM_003482.4 (MANE Select); coding-DNA position 7999, C replaced by G.
Protein change: p.Pro2667Ala; replaces proline 2667 with alanine.
Molecular consequence: missense variant.
Genome position (GRCh38, 1-based): chr12:49,039,771, G>C on the plus strand (C>G on the coding strand, the complement: KMT2D is on the minus strand). VCF-style: chr12-49039771-G-C. GRCh37 (hg19) VCF-style: chr12-49433554-G-C.
Other names: short protein forms P2667A.
Identifiers: ClinVar variation 3681943 (VCV003681943.2).
Genomic context (GRCh38, chr12:49,039,771, plus strand): 5'-GGTGTCAACTTACCTGCCGTTGCTTCTCCAGCTCTGTTTGGCTAAGGCCGGACATGCCTG[G>C]GTCCTGGGTACCTGGGAGTTCAGCTGTCGCCAAAGAGCTACCCATTCCAGTCCCTGGGTC-3'
Protein context (NP_003473.3, residues 2657-2677): ATAELPGTQD[Pro2667Ala]GMSGLSQTEL